The following is an entry in ClinVar:

NM_017909.4(RMND1):c.1229T>C (p.Met410Thr)

Gene: RMND1 (required for meiotic nuclear division 1 homolog; minus strand). Cytogenetic location: 6q25.1.
Variant type: single nucleotide variant.
Coding change: c.1229T>C on transcript NM_017909.4 (MANE Select); coding-DNA position 1229, T replaced by C.
Protein change: p.Met410Thr; replaces methionine 410 with threonine.
Molecular consequence: missense variant.
Genome position (GRCh38, 1-based): chr6:151,405,808, A>G on the plus strand (T>C on the coding strand, the complement: RMND1 is on the minus strand). VCF-style: chr6-151405808-A-G. GRCh37 (hg19) VCF-style: chr6-151726943-A-G.
Other names: c.719T>C, p.Met240Thr (NM_001271937.2); short protein forms M240T, M410T.
Identifiers: ClinVar variation 2103272 (VCV002103272.4), dbSNP rs776783945, ClinGen allele CA4050742.

ClinVar aggregate classification (germline): Uncertain significance (1 of 4 stars; one submission).

Allele frequency attached by ClinVar (database versions not stated): TOPMed below 0.00001; gnomAD exomes 0.00001; ExAC 0.00002.
gnomAD v4.1: 4 of 1,611,470 alleles (0.00025%); highest among the groups gnomAD compares: Admixed American, 0.0067%; no homozygotes.

Submission:

Labcorp Genetics (formerly Invitae), Labcorp
Classification: Uncertain significance. Last evaluated: 2025-01-06. Review status: criteria provided, single submitter. Criteria: Invitae Variant Classification Sherloc (09022015). Collection method: clinical testing. Allele origin: germline.
Comment: This sequence change replaces methionine, which is neutral and non-polar, with threonine, which is neutral and polar, at codon 410 of the RMND1 protein (p.Met410Thr). This variant is present in population databases (rs776783945, gnomAD 0.01%). This variant has not been reported in the literature in individuals affected with RMND1-related conditions. ClinVar contains an entry for this variant (Variation ID: 2103272). Invitae Evidence Modeling of protein sequence and biophysical properties (such as structural, functional, and spatial information, amino acid conservation, physicochemical variation, residue mobility, and thermodynamic stability) indicates that this missense variant is not expected to disrupt RMND1 protein function with a negative predictive value of 80%. In summary, the available evidence is currently insufficient to determine the role of this variant in disease. Therefore, it has been classified as a Variant of Uncertain Significance.